The following is an entry in ClinVar:

NM_003922.4(HERC1):c.5376A>G (p.Leu1792=)

Gene: HERC1 (HECT and RLD domain containing E3 ubiquitin protein ligase family member 1; minus strand). Cytogenetic location: 15q22.31.
Variant type: single nucleotide variant.
Coding change: c.5376A>G on transcript NM_003922.4 (MANE Select); coding-DNA position 5376, A replaced by G.
Protein change: p.Leu1792=; no amino-acid change (leucine 1792 retained).
Molecular consequence: synonymous variant.
Genome position (GRCh38, 1-based): chr15:63,694,416, T>C on the plus strand (A>G on the coding strand, the complement: HERC1 is on the minus strand). VCF-style: chr15-63694416-T-C. GRCh37 (hg19) VCF-style: chr15-63986615-T-C.
Identifiers: ClinVar variation 4534420 (VCV004534420.6).

ClinVar aggregate classification (germline): Likely benign (1 of 4 stars; one submission).

gnomAD v4.1: 217 of 1,613,856 alleles (0.013%); highest among the groups gnomAD compares: Non-Finnish European, 0.018%; no homozygotes.

Submission:

CeGaT Center for Human Genetics Tuebingen
Classification: Likely benign. Last evaluated: 2025-11-01. Review status: criteria provided, single submitter. Criteria: CeGaT Center For Human Genetics Tuebingen Variant Classification Criteria Version 2. Collection method: clinical testing. Allele origin: germline. Affected: yes. Observed: 1 variant allele.
Comment: HERC1: BP4, BP7